The following is an entry in ClinVar:

ClinVar aggregate classification (germline): Likely pathogenic (1 of 4 stars; one submission).

Conditions:
Neuromuscular disease caused by qualitative or quantitative defects of dystrophin. Also called: Qualitative or quantitative defects of dystrophin. Identifiers: Orphanet 207085, MedGen C5679787, MONDO:0016147.

Submission:

Women's Health and Genetics/Laboratory Corporation of America, LabCorp
Classification: Likely pathogenic for Neuromuscular disease caused by qualitative or quantitative defects of dystrophin. Last evaluated: 2026-03-11. Review status: criteria provided, single submitter. Criteria: LabCorp Variant Classification Summary - May 2015. Collection method: clinical testing. Allele origin: germline.
Comment: Variant summary: DMD c.4072-1G>A is located in a canonical splice-site and is predicted to affect mRNA splicing resulting in a significantly altered protein due to either exon skipping, shortening, or inclusion of intronic material. Variants that disrupt the consensus splice site are a relatively common cause of aberrant splicing and loss of DMD function. Several computational tools predict a significant impact on normal splicing: Four predict the variant abolishes the canonical 3' acceptor site. Four predict the variant creates a 3' acceptor site. However, these predictions have yet to be confirmed by functional studies. The variant was absent in 181968 control chromosomes. c.4072-1G>A has been observed in at least two individuals affected with Duchenne Muscular Dystrophy/Becker Muscular Dystrophy (e.g. Xie_2025, Trivedi_2026). These data indicate that the variant may be associated with disease. To our knowledge, no experimental evidence demonstrating an impact on protein function has been reported. The following publications have been ascertained in the context of this evaluation (PMID: 41317420, 39198981). No submitters have cited clinical-significance assessments for this variant to ClinVar. Based on the evidence outlined above, the variant was classified as likely pathogenic.

Literature cited by the submitters: PubMed 39198981; PubMed 41317420.

NM_004006.3(DMD):c.4072-1G>A

Gene: DMD (dystrophin; minus strand). Cytogenetic location: Xp21.1.
Variant type: single nucleotide variant.
Coding change: c.4072-1G>A on transcript NM_004006.3 (MANE Select); the canonical splice acceptor site of the intron before coding-DNA position 4072, G replaced by A.
Molecular consequence: splice acceptor variant.
Genome position (GRCh38, 1-based): chrX:32,411,914, C>T on the plus strand (G>A on the coding strand, the complement: DMD is on the minus strand). VCF-style: chrX-32411914-C-T. GRCh37 (hg19) VCF-style: chrX-32430031-C-T.
Other names: c.4048-1G>A (NM_000109.4); c.49-1G>A (NM_004011.4); c.40-1G>A (NM_004012.4); c.4060-1G>A (NM_004009.3); c.3703-1G>A (NM_004010.3).
Identifiers: ClinVar variation 4847332 (VCV004847332.1).
Genomic context (GRCh38, chrX:32,411,914, plus strand): 5'-TTTTTCAGTCTCCTGGGCAGACTGGATGCTCTGTTCAAGCAACTTTTGCCTCCTTACAGC[C>T]TAAAAAGAAGGAATAAGAGTGTATCAGTTAAATGTTTACTCTTGATAGCTTTTCTGTAAT-3'